The following is an entry in ClinVar:

ClinVar aggregate classification (germline): Uncertain significance. Review status: criteria provided, multiple submitters, no conflicts (2 of 4 stars). 4 submissions from 2 submitters: Uncertain significance (4). Last evaluated 2022-08-22.

Conditions:
Age related macular degeneration 5. Identifiers: MedGen C3151063, MONDO:0013409, OMIM 613761.
Cockayne syndrome type 2 (CSB). Also called: COCKAYNE SYNDROME B; Cockayne Syndrome, Type II. Identifiers: Orphanet 191, Orphanet 90322, MedGen C0751038, MONDO:0019570, OMIM 133540.
Cerebrooculofacioskeletal syndrome 1 (COFS1). Also called: Cerebro-oculo-facio-skeletal syndrome 1. Identifiers: MedGen C0220722, MONDO:0008955, OMIM 214150.

Allele frequency attached by ClinVar (database versions not stated): ExAC 0.00001; gnomAD 0.00001; gnomAD exomes 0.00001; TOPMed 0.00001; ESP Exome Variant Server 0.00008.
gnomAD v4.1: 15 of 1,614,056 alleles (0.00093%); highest among the groups gnomAD compares: Admixed American, 0.0033%; no homozygotes.

Submissions (4):

Labcorp Genetics (formerly Invitae), Labcorp
Classification: Uncertain significance. Last evaluated: 2022-08-22. Review status: criteria provided, single submitter. Criteria: Invitae Variant Classification Sherloc (09022015). Collection method: clinical testing. Allele origin: germline.
Comment: This sequence change replaces arginine, which is basic and polar, with cysteine, which is neutral and slightly polar, at codon 1301 of the ERCC6 protein (p.Arg1301Cys). This variant is present in population databases (rs367552064, gnomAD 0.004%). This variant has not been reported in the literature in individuals affected with ERCC6-related conditions. ClinVar contains an entry for this variant (Variation ID: 880168). Algorithms developed to predict the effect of missense changes on protein structure and function (SIFT, PolyPhen-2, Align-GVGD) all suggest that this variant is likely to be disruptive. In summary, the available evidence is currently insufficient to determine the role of this variant in disease. Therefore, it has been classified as a Variant of Uncertain Significance.

Illumina Laboratory Services, Illumina
Classification: Uncertain significance for Age related macular degeneration 5. Last evaluated: 2018-01-13. Review status: criteria provided, single submitter. Criteria: ICSL Variant Classification Criteria 13 December 2019. Collection method: clinical testing. Allele origin: germline.

Illumina Laboratory Services, Illumina
Classification: Uncertain significance for Cerebrooculofacioskeletal syndrome 1. Last evaluated: 2018-01-13. Review status: criteria provided, single submitter. Criteria: ICSL Variant Classification Criteria 13 December 2019. Collection method: clinical testing. Allele origin: germline.

Illumina Laboratory Services, Illumina
Classification: Uncertain significance for Cockayne syndrome type 2. Last evaluated: 2018-01-13. Review status: criteria provided, single submitter. Criteria: ICSL Variant Classification Criteria 13 December 2019. Collection method: clinical testing. Allele origin: germline.

NM_000124.4(ERCC6):c.3901C>T (p.Arg1301Cys)

Gene: ERCC6 (ERCC excision repair 6, chromatin remodeling factor; minus strand). Cytogenetic location: 10q11.23.
Variant type: single nucleotide variant.
Coding change: c.3901C>T on transcript NM_000124.4 (MANE Select); coding-DNA position 3901, C replaced by T.
Protein change: p.Arg1301Cys; replaces arginine 1301 with cysteine.
Molecular consequence: missense variant.
Genome position (GRCh38, 1-based): chr10:49,461,434, G>A on the plus strand (C>T on the coding strand, the complement: ERCC6 is on the minus strand). VCF-style: chr10-49461434-G-A. GRCh37 (hg19) VCF-style: chr10-50669480-G-A.
Other names: c.3901C>T, p.Arg1301Cys (NM_001346440.2); short protein forms R1301C.
Identifiers: ClinVar variation 880168 (VCV000880168.6), dbSNP rs367552064, ClinGen allele CA5495238.